The following is an entry in ClinVar:

ClinVar aggregate classification (germline): Uncertain significance (1 of 4 stars; one submission).

Conditions:
Cardiovascular phenotype. Identifiers: MedGen CN230736.

Submission:

Ambry Genetics
Classification: Uncertain significance for Cardiovascular phenotype. Last evaluated: 2025-10-23. Review status: criteria provided, single submitter. Criteria: Ambry Variant Classification Scheme 2023. Collection method: clinical testing. Allele origin: germline.
Comment: The c.481dupG variant, located in coding exon 7 of the TNNI3 gene, results from a duplication of G at nucleotide position 481, causing a translational frameshift with a predicted alternate stop codon (p.A161Gfs*4). This alteration is expected to result in loss of function by premature protein truncation or nonsense-mediated mRNA decay. Although biallelic loss of function of TNNI3 has been associated with autosomal recessive dilated cardiomyopathy, haploinsufficiency of TNNI3 has not been established as a mechanism of disease for autosomal dominant cardiomyopathy. Based on the supporting evidence, this variant is expected to be causative of TNNI3-related autosomal recessive dilated cardiomyopathy when present along with a second pathogenic variant on the other allele; however, its clinical significance for TNNI3-related autosomal dominant cardiomyopathy is unclear.

NM_000363.5(TNNI3):c.481dup (p.Ala161fs)

Gene: TNNI3 (troponin I3, cardiac type; minus strand). Cytogenetic location: 19q13.42.
Variant type: Duplication.
Coding change: c.481dup on transcript NM_000363.5 (MANE Select); coding-DNA position 481, one base duplicated (G; older notation c.481dupG).
Protein change: p.Ala161fs; shifts the reading frame from alanine 161.
Molecular consequence: frameshift variant.
Genome position (GRCh38, 1-based): chr19:55,154,098, C duplicated on the plus strand (G on the coding strand, the reverse complement: TNNI3 is on the minus strand); the first of 5 consecutive C bases (chr19:55,154,098-55,154,102); duplicating any one gives the same sequence. VCF-style (leftmost placement, unchanged base first): chr19-55154097-G-GC. GRCh37 (hg19) VCF-style: chr19-55665465-G-GC.
Other names: c.481dupG (NM_000363.4); short protein forms A161fs.
Identifiers: ClinVar variation 4615115 (VCV004615115.1).